The following is an entry in ClinVar:

ClinVar aggregate classification (germline): Uncertain significance (1 of 4 stars; one submission).

Conditions:
Lymphoproliferative syndrome 1 (LPFS1). Identifiers: Orphanet 238505, Orphanet 538963, MedGen C3552634, MONDO:0013081, OMIM 613011.

Allele frequency attached by ClinVar (database versions not stated): gnomAD exomes below 0.00001.
gnomAD v4.1: 1 of 1,478,432 alleles (0.000068%); highest among the groups gnomAD compares: Admixed American, 0.0017%; no homozygotes.

Submission:

Labcorp Genetics (formerly Invitae), Labcorp
Classification: Uncertain significance for Lymphoproliferative syndrome 1. Last evaluated: 2022-07-08. Review status: criteria provided, single submitter. Criteria: Invitae Variant Classification Sherloc (09022015). Collection method: clinical testing. Allele origin: germline.
Comment: In summary, the available evidence is currently insufficient to determine the role of this variant in disease. Therefore, it has been classified as a Variant of Uncertain Significance. Algorithms developed to predict the effect of sequence changes on RNA splicing suggest that this variant may create or strengthen a splice site. This variant has not been reported in the literature in individuals affected with ITK-related conditions. This variant is not present in population databases (gnomAD no frequency). This sequence change falls in intron 13 of the ITK gene. It does not directly change the encoded amino acid sequence of the ITK protein.

NM_005546.4(ITK):c.1449+14G>A

Gene: ITK (IL2 inducible T cell kinase; plus strand). Cytogenetic location: 5q33.3.
Variant type: single nucleotide variant.
Coding change: c.1449+14G>A on transcript NM_005546.4 (MANE Select); 14 bases into the intron after coding-DNA position 1449, G replaced by A.
Molecular consequence: intron variant.
Genome position (GRCh38, 1-based): chr5:157,244,492, G>A. VCF-style: chr5-157244492-G-A. GRCh37 (hg19) VCF-style: chr5-156671502-G-A.
Identifiers: ClinVar variation 2169067 (VCV002169067.4), dbSNP rs2532156655, ClinGen allele CA2580073950.